The following is an entry in ClinVar:

NM_000350.3(ABCA4):c.4954T>G (p.Tyr1652Asp)

Genes: ABCA4 (ATP binding cassette subfamily A member 4; minus strand), LOC126805793 (CDK7 strongly-dependent group 2 enhancer GRCh37_chr1:94486302-94487501; plus strand). Cytogenetic location: 1p22.1.
Variant type: single nucleotide variant.
Coding change: c.4954T>G on transcript NM_000350.3 (MANE Select); coding-DNA position 4954, T replaced by G.
Protein change: p.Tyr1652Asp; replaces tyrosine 1652 with aspartic acid.
Molecular consequence: missense variant.
Genome position (GRCh38, 1-based): chr1:94,021,304, A>C on the plus strand (T>G on the coding strand, the complement: ABCA4 is on the minus strand). VCF-style: chr1-94021304-A-C. GRCh37 (hg19) VCF-style: chr1-94486860-A-C.
Other names: c.4732T>G, p.Tyr1578Asp (NM_001425324.1); short protein forms Y1652D, Y1578D.
Identifiers: ClinVar variation 99334 (VCV000099334.2), dbSNP rs61750560, ClinGen allele CA227258.
Genomic context (GRCh38, chr1:94,021,304, plus strand): 5'-TAATCTCTGAGAGCTGCTCCTTGGTCAGGTTCAGGGGTTGGCTAATGACGGTGATTCCAT[A>C]CTCCTCGGGGCTCCTGTCCTTAGGCAGGCTGGCCCGTAAGATGGCGTTGTGGGCCACATT-3'
Protein context (NP_000341.2, residues 1642-1662): SLPKDRSPEE[Tyr1652Asp]GITVISQPLN

ClinVar aggregate classification (germline): Pathogenic. Review status: criteria provided, single submitter (1 of 4 stars). 2 submissions from 2 submitters: Pathogenic (1). 1 of the submissions does not count toward it. Last evaluated 2015-04-08.

Submissions (2):

GeneDx
Classification: Pathogenic. Last evaluated: 2015-04-08. Review status: criteria provided, single submitter. Criteria: GeneDx Variant Classification (06012015). Collection method: clinical testing. Allele origin: germline. Affected: yes.
Comment: The Y1652D variant has also been reported in association withStargardt disease (Fishman et al., 1999). The Y1652D substitution was not observed in approximately 6,500individuals of European and African American ancestry in the NHLBI Exome Sequencing Project,indicating it is not a common benign variant in these populations. Therefore, we consider Y1652D to be a pathogenic variant.

Retina International
No classification provided. Review status: no classification provided. Collection method: not provided. Allele origin: not provided. Not counted in ClinVar's aggregate classification.